The following is an entry in ClinVar:

NM_016284.5(CNOT1):c.4399A>G (p.Thr1467Ala)

Gene: CNOT1 (CCR4-NOT transcription complex subunit 1; minus strand). Cytogenetic location: 16q21.
Variant type: single nucleotide variant.
Coding change: c.4399A>G on transcript NM_016284.5 (MANE Select); coding-DNA position 4399, A replaced by G.
Protein change: p.Thr1467Ala; replaces threonine 1467 with alanine.
Molecular consequence: missense variant. On other transcripts: non-coding transcript variant (1).
Genome position (GRCh38, 1-based): chr16:58,543,642, T>C on the plus strand (A>G on the coding strand, the complement: CNOT1 is on the minus strand). VCF-style: chr16-58543642-T-C. GRCh37 (hg19) VCF-style: chr16-58577546-T-C.
Other names: c.4384A>G, p.Thr1462Ala (NM_001265612.2); c.4399A>G, p.Thr1467Ala (NM_206999.3); short protein forms T1462A, T1467A.
Identifiers: ClinVar variation 2795060 (VCV002795060.3), dbSNP rs779796175, ClinGen allele CA8089193.

ClinVar aggregate classification (germline): Uncertain significance (1 of 4 stars; one submission).

Allele frequency attached by ClinVar (database versions not stated): ExAC 0.00001; gnomAD exomes 0.00001; TOPMed 0.00001.
gnomAD v4.1: 10 of 1,614,198 alleles (0.00062%); highest among the groups gnomAD compares: Non-Finnish European, 0.00076%; no homozygotes.

Submission:

Labcorp Genetics (formerly Invitae), Labcorp
Classification: Uncertain significance. Last evaluated: 2024-11-29. Review status: criteria provided, single submitter. Criteria: Invitae Variant Classification Sherloc (09022015). Collection method: clinical testing. Allele origin: germline.
Comment: This sequence change replaces threonine, which is neutral and polar, with alanine, which is neutral and non-polar, at codon 1462 of the CNOT1 protein (p.Thr1462Ala). This variant is present in population databases (rs779796175, gnomAD 0.002%). This variant has not been reported in the literature in individuals affected with CNOT1-related conditions. ClinVar contains an entry for this variant (Variation ID: 2795060). An algorithm developed to predict the effect of missense changes on protein structure and function (PolyPhen-2) suggests that this variant is likely to be tolerated. In summary, the available evidence is currently insufficient to determine the role of this variant in disease. Therefore, it has been classified as a Variant of Uncertain Significance.